The following is an entry in ClinVar:

ClinVar aggregate classification (germline): Uncertain significance (1 of 4 stars; one submission).

Allele frequency attached by ClinVar (database versions not stated): gnomAD exomes below 0.00001.

Submission:

Labcorp Genetics (formerly Invitae), Labcorp
Classification: Uncertain significance. Last evaluated: 2022-03-29. Review status: criteria provided, single submitter. Criteria: Invitae Variant Classification Sherloc (09022015). Collection method: clinical testing. Allele origin: germline.
Comment: In summary, the available evidence is currently insufficient to determine the role of this variant in disease. Therefore, it has been classified as a Variant of Uncertain Significance. Algorithms developed to predict the effect of missense changes on protein structure and function are either unavailable or do not agree on the potential impact of this missense change (SIFT: "Deleterious"; PolyPhen-2: "Not Available"; Align-GVGD: "Class C0"). This variant has not been reported in the literature in individuals affected with CYFIP2-related conditions. This variant is not present in population databases (gnomAD no frequency). This sequence change replaces aspartic acid, which is acidic and polar, with asparagine, which is neutral and polar, at codon 24 of the CYFIP2 protein (p.Asp24Asn).

NM_001037333.3(CYFIP2):c.70G>A (p.Asp24Asn)

Gene: CYFIP2 (cytoplasmic FMR1 interacting protein 2; plus strand). Cytogenetic location: 5q33.3.
Variant type: single nucleotide variant.
Coding change: c.70G>A on transcript NM_001037333.3 (MANE Select); coding-DNA position 70, G replaced by A.
Protein change: p.Asp24Asn; replaces aspartic acid 24 with asparagine.
Molecular consequence: missense variant.
Genome position (GRCh38, 1-based): chr5:157,285,431, G>A. VCF-style: chr5-157285431-G-A. GRCh37 (hg19) VCF-style: chr5-156712441-G-A.
Other names: c.70G>A, p.Asp24Asn (NM_001291721.2, NM_001291722.2, NM_014376.4); short protein forms D24N.
Identifiers: ClinVar variation 2119386 (VCV002119386.4), dbSNP rs2532238365, ClinGen allele CA361965230.
Genomic context (GRCh38, chr5:157,285,431, plus strand): 5'-CACGTCACCCTGGAAGATGCCCTGTCCAACGTGGACCTGCTTGAAGAGCTTCCCCTCCCC[G>A]ACCAGCAGCCATGCATCGAGCCTCCACCTTCCTCCATCATGTACCAGGTAATGGAAATGG-3'
Protein context (NP_001032410.1, residues 14-34): VDLLEELPLP[Asp24Asn]QQPCIEPPPS